The following is an entry in ClinVar:

NM_004982.4(KCNJ8):c.1148G>A (p.Arg383His)

Genes: KCNJ8 (potassium inwardly rectifying channel subfamily J member 8; minus strand), KCNJ8-AS1 (KCNJ8 antisense RNA 1; plus strand). Cytogenetic location: 12p12.1.
Variant type: single nucleotide variant.
Coding change: c.1148G>A on transcript NM_004982.4 (MANE Select); coding-DNA position 1148, G replaced by A.
Protein change: p.Arg383His; replaces arginine 383 with histidine.
Molecular consequence: missense variant.
Genome position (GRCh38, 1-based): chr12:21,765,850, C>T on the plus strand (G>A on the coding strand, the complement: KCNJ8 is on the minus strand). VCF-style: chr12-21765850-C-T. GRCh37 (hg19) VCF-style: chr12-21918784-C-T.
Other names: short protein forms R383H.
Identifiers: ClinVar variation 1465315 (VCV001465315.6), dbSNP rs764730358, ClinGen allele CA6480622.

ClinVar aggregate classification (germline): Uncertain significance (1 of 4 stars; one submission).

Conditions:
Brugada syndrome. Also called: Sudden unexplained nocturnal death syndrome; Sudden unexpected nocturnal death syndrome; Sudden Unexplained Death Syndrome; Sudden Unexplained Nocturnal Death Syndrome (SUNDS). Identifiers: Orphanet 130, MedGen C1142166, MONDO:0015263.

Allele frequency attached by ClinVar (database versions not stated): gnomAD exomes below 0.00001; ExAC 0.00001.
gnomAD v4.1: 1 of 1,614,046 alleles (0.000062%); highest among the groups gnomAD compares: South Asian, 0.0011%; no homozygotes.

Submission:

Labcorp Genetics (formerly Invitae), Labcorp
Classification: Uncertain significance for Brugada syndrome. Last evaluated: 2021-11-08. Review status: criteria provided, single submitter. Criteria: Invitae Variant Classification Sherloc (09022015). Collection method: clinical testing. Allele origin: germline.
Comment: This sequence change replaces arginine, which is basic and polar, with histidine, which is basic and polar, at codon 383 of the KCNJ8 protein (p.Arg383His). This variant is present in population databases (rs764730358, gnomAD 0.003%). This variant has not been reported in the literature in individuals affected with KCNJ8-related conditions. Advanced modeling of protein sequence and biophysical properties (such as structural, functional, and spatial information, amino acid conservation, physicochemical variation, residue mobility, and thermodynamic stability) performed at Invitae indicates that this missense variant is not expected to disrupt KCNJ8 protein function. In summary, the available evidence is currently insufficient to determine the role of this variant in disease. Therefore, it has been classified as a Variant of Uncertain Significance.